The following is an entry in ClinVar:

ClinVar aggregate classification (germline): Uncertain significance (1 of 4 stars; one submission).

Allele frequency attached by ClinVar (database versions not stated): gnomAD 0.00001; 1000 Genomes Project 30x 0.00016; 1000 Genomes Project 0.00020.
gnomAD v4.1: 7 of 1,614,150 alleles (0.00043%); highest among the groups gnomAD compares: East Asian, 0.0045%; no homozygotes.

Submission:

Labcorp Genetics (formerly Invitae), Labcorp
Classification: Uncertain significance. Last evaluated: 2023-04-01. Review status: criteria provided, single submitter. Criteria: Invitae Variant Classification Sherloc (09022015). Collection method: clinical testing. Allele origin: germline.
Comment: In summary, the available evidence is currently insufficient to determine the role of this variant in disease. Therefore, it has been classified as a Variant of Uncertain Significance. An algorithm developed to predict the effect of missense changes on protein structure and function (PolyPhen-2) suggests that this variant is likely to be tolerated. This variant has not been reported in the literature in individuals affected with CLCN6-related conditions. This variant is present in population databases (rs556777026, gnomAD 0.003%). This sequence change replaces serine, which is neutral and polar, with proline, which is neutral and non-polar, at codon 393 of the CLCN6 protein (p.Ser393Pro).

NM_001286.5(CLCN6):c.1177T>C (p.Ser393Pro)

Gene: CLCN6 (chloride voltage-gated channel 6; plus strand). Cytogenetic location: 1p36.22.
Variant type: single nucleotide variant.
Coding change: c.1177T>C on transcript NM_001286.5 (MANE Select); coding-DNA position 1177, T replaced by C.
Protein change: p.Ser393Pro; replaces serine 393 with proline.
Molecular consequence: missense variant. On other transcripts: non-coding transcript variant (1).
Genome position (GRCh38, 1-based): chr1:11,829,251, T>C. VCF-style: chr1-11829251-T-C. GRCh37 (hg19) VCF-style: chr1-11889308-T-C.
Other names: c.1111T>C, p.Ser371Pro (NM_001256959.2); short protein forms S371P, S393P.
Identifiers: ClinVar variation 2981224 (VCV002981224.3), dbSNP rs556777026, ClinGen allele CA18000095.